The following is an entry in ClinVar:

NM_005876.5(SPEG):c.7042_7047dup (p.Gly2348_Leu2349dup)

Genes: ASIC4-AS1 (ASIC4 antisense RNA 1; minus strand), SPEG (striated muscle enriched protein kinase; plus strand). Cytogenetic location: 2q35.
Variant type: Duplication.
Coding change: c.7042_7047dup on transcript NM_005876.5 (MANE Select); coding-DNA positions 7042 to 7047, 6 bases duplicated (GGGCTG; older notation c.7042_7047dupGGGCTG).
Protein change: p.Gly2348_Leu2349dup.
Molecular consequence: inframe insertion.
Genome position (GRCh38, 1-based): chr2:219,484,505-219,484,510, GGGCTG duplicated; duplicating any 6 consecutive bases within chr2:219,484,501-219,484,510 gives the same sequence; the c. name uses the placement nearest the transcript's 3' end. VCF-style (leftmost placement, unchanged base first): chr2-219484500-C-CGCTGGG. GRCh37 (hg19) VCF-style: chr2-220349222-C-CGCTGGG.
Identifiers: ClinVar variation 1427796 (VCV001427796.3), dbSNP rs1693193286, ClinGen allele CA1329240084.

ClinVar aggregate classification (germline): Uncertain significance (1 of 4 stars; one submission).

Submission:

Labcorp Genetics (formerly Invitae), Labcorp
Classification: Uncertain significance. Last evaluated: 2021-12-03. Review status: criteria provided, single submitter. Criteria: Invitae Variant Classification Sherloc (09022015). Collection method: clinical testing. Allele origin: germline.
Comment: This variant, c.7042_7047dup, results in the insertion of 2 amino acid(s) of the SPEG protein (p.Gly2348_Leu2349dup), but otherwise preserves the integrity of the reading frame. This variant is not present in population databases (gnomAD no frequency). This variant has not been reported in the literature in individuals affected with SPEG-related conditions. Experimental studies and prediction algorithms are not available or were not evaluated, and the functional significance of this variant is currently unknown. In summary, the available evidence is currently insufficient to determine the role of this variant in disease. Therefore, it has been classified as a Variant of Uncertain Significance.